The following is an entry in ClinVar:

ClinVar aggregate classification (germline): Uncertain significance (1 of 4 stars; one submission).

Allele frequency attached by ClinVar (database versions not stated): gnomAD exomes 0.00001 and 0.00005; ExAC 0.00003; gnomAD 0.00005; TOPMed 0.00007.
gnomAD v4.1: 50 of 1,613,354 alleles (0.0031%); highest among the groups gnomAD compares: East Asian, 0.045%; no homozygotes.

Submission:

Labcorp Genetics (formerly Invitae), Labcorp
Classification: Uncertain significance. Last evaluated: 2022-10-24. Review status: criteria provided, single submitter. Criteria: Invitae Variant Classification Sherloc (09022015). Collection method: clinical testing. Allele origin: germline.
Comment: This sequence change replaces proline, which is neutral and non-polar, with leucine, which is neutral and non-polar, at codon 10 of the STAMBP protein (p.Pro10Leu). This variant is present in population databases (rs767316172, gnomAD 0.06%). This variant has not been reported in the literature in individuals affected with STAMBP-related conditions. ClinVar contains an entry for this variant (Variation ID: 1412908). Algorithms developed to predict the effect of missense changes on protein structure and function are either unavailable or do not agree on the potential impact of this missense change (SIFT: "Deleterious"; PolyPhen-2: "Benign"; Align-GVGD: "Class C0"). In summary, the available evidence is currently insufficient to determine the role of this variant in disease. Therefore, it has been classified as a Variant of Uncertain Significance.

NM_213622.4(STAMBP):c.29C>T (p.Pro10Leu)

Genes: STAMBP (STAM binding protein; plus strand), LOC126806253 (CDK7 strongly-dependent group 2 enhancer GRCh37_chr2:74057585-74058784; plus strand). Cytogenetic location: 2p13.1.
Variant type: single nucleotide variant.
Coding change: c.29C>T on transcript NM_213622.4 (MANE Select); coding-DNA position 29, C replaced by T.
Protein change: p.Pro10Leu; replaces proline 10 with leucine.
Molecular consequence: missense variant. On other transcripts: 5 prime UTR variant (5), non-coding transcript variant (4), intron variant (1).
Genome position (GRCh38, 1-based): chr2:73,830,885, C>T. VCF-style: chr2-73830885-C-T. GRCh37 (hg19) VCF-style: chr2-74058012-C-T.
Other names: c.29C>T, p.Pro10Leu (NM_001353967.2, NM_001353968.2, NM_001353969.2 and 3 more transcripts); c.-525C>T (NM_001353971.2, NM_001353973.2, NM_001353974.2 and 2 more transcripts); c.-203+1889C>T (NM_001353972.2); short protein forms P10L.
Identifiers: ClinVar variation 1412908 (VCV001412908.3), dbSNP rs767316172, ClinGen allele CA1717423.